The following is an entry in ClinVar:

ClinVar aggregate classification (germline): Likely benign (1 of 4 stars; one submission).

Allele frequency attached by ClinVar (database versions not stated): TOPMed below 0.00001; gnomAD exomes 0.00001.
gnomAD v4.1: 13 of 1,597,178 alleles (0.00081%); highest among the groups gnomAD compares: Non-Finnish European, 0.0011%; no homozygotes.

Submission:

CeGaT Center for Human Genetics Tuebingen
Classification: Likely benign. Last evaluated: 2022-07-01. Review status: criteria provided, single submitter. Criteria: CeGaT Center For Human Genetics Tuebingen Variant Classification Criteria Version 2. Collection method: clinical testing. Allele origin: germline. Affected: yes. Observed: 1 variant allele.
Comment: L3MBTL1: BP4, BP7

NM_001377303.1(L3MBTL1):c.678A>G (p.Ser226=)

Gene: L3MBTL1 (L3MBTL histone methyl-lysine binding protein 1; plus strand). Cytogenetic location: 20q13.12.
Variant type: single nucleotide variant.
Coding change: c.678A>G on transcript NM_001377303.1 (MANE Select); coding-DNA position 678, A replaced by G.
Protein change: p.Ser226=; no amino-acid change (serine 226 retained).
Molecular consequence: synonymous variant. On other transcripts: non-coding transcript variant (8).
Genome position (GRCh38, 1-based): chr20:43,515,316, A>G. VCF-style: chr20-43515316-A-G. GRCh37 (hg19) VCF-style: chr20-42143956-A-G.
Other names: c.678A>G, p.Ser226= (NM_001377306.1); c.408A>G, p.Ser136= (NM_001377307.1, NM_001377308.1, NM_001377309.1 and 2 more transcripts); c.288A>G, p.Ser96= (NM_001377311.1); c.612A>G, p.Ser204= (NM_032107.5).
Identifiers: ClinVar variation 2652345 (VCV002652345.24), dbSNP rs1358931830, ClinGen allele CA510737285.
Genomic context (GRCh38, chr20:43,515,316, plus strand): 5'-CGGGTGGTTCTTTCCCTAAGGCTGGCCCTTCCTCAGGTCAGTCATAGTGGAGAACTCCTC[A>G]GGCTCTACCAGCGCTTCTGAGCTCCTCAAACCCATGAAGAAGAGGAAGCGCAGGGAATAC-3'
Protein context (NP_001364232.1, residues 216-236): QERSVIVENS[Ser226=]GSTSASELLK